The following is an entry in ClinVar:

ClinVar aggregate classification (germline): Uncertain significance (1 of 4 stars; one submission).

Conditions:
Inborn genetic diseases. Identifiers: MedGen C0950123, MeSH D030342.

Submission:

Ambry Genetics
Classification: Uncertain significance for Inborn genetic diseases. Last evaluated: 2021-09-15. Review status: criteria provided, single submitter. Criteria: Ambry Variant Classification Scheme 2023. Collection method: clinical testing. Allele origin: germline.
Comment: The c.238A>G (p.N80D) alteration is located in exon 1 (coding exon 1) of the HPDL gene. This alteration results from an A to G substitution at nucleotide position 238, causing the asparagine (N) at amino acid position 80 to be replaced by an aspartic acid (D). This variant was not reported in population-based cohorts in the Genome Aggregation Database (gnomAD). This amino acid position is highly conserved in available vertebrate species. This alteration is predicted to be tolerated by in silico analysis. Based on insufficient or conflicting evidence, the clinical significance of this alteration remains unclear.

NM_032756.4(HPDL):c.238A>G (p.Asn80Asp)

Gene: HPDL (4-hydroxyphenylpyruvate dioxygenase like; plus strand). Cytogenetic location: 1p34.1.
Variant type: single nucleotide variant.
Coding change: c.238A>G on transcript NM_032756.4 (MANE Select); coding-DNA position 238, A replaced by G.
Protein change: p.Asn80Asp; replaces asparagine 80 with aspartic acid.
Molecular consequence: missense variant.
Genome position (GRCh38, 1-based): chr1:45,327,386, A>G. VCF-style: chr1-45327386-A-G. GRCh37 (hg19) VCF-style: chr1-45793058-A-G.
Other names: short protein forms N80D.
Identifiers: ClinVar variation 2358911 (VCV002358911.2), dbSNP rs2523679344, ClinGen allele CA340128175.
Genomic context (GRCh38, chr1:45,327,386, plus strand): 5'-GCAGGGTCTGGAGAGCCGCTGTACGGCCTGGATCCGCGTCACGCCGTGCCCAGCGCCACA[A>G]ACCTGTGCTTCGACGTGGCGGACGCCGGCGCTGCAACCCGGGAGCTGGCAGCGCTGGGCT-3'
Protein context (NP_116145.1, residues 70-90): DPRHAVPSAT[Asn80Asp]LCFDVADAGA